The following is an entry in ClinVar:

ClinVar aggregate classification (germline): Benign (0 of 4 stars; one submission).

Conditions:
IRS2-related disorder. Also called: IRS2-related condition.

Allele frequency attached by ClinVar (database versions not stated): gnomAD exomes 0.00010; ExAC 0.00107; gnomAD 0.00149; ESP Exome Variant Server 0.00157; TOPMed 0.00178; 1000 Genomes Project 0.00200; 1000 Genomes Project 30x 0.00219.
gnomAD v4.1: 382 of 1,575,864 alleles (0.024%); highest among the groups gnomAD compares: African/African-American, 0.45%; 2 homozygotes.

Submission:

PreventionGenetics, part of Exact Sciences
Classification: Benign for IRS2-related condition. Last evaluated: 2020-01-20. Review status: no assertion criteria provided. Collection method: clinical testing. Allele origin: germline.
Comment: This variant is classified as benign based on ACMG/AMP sequence variant interpretation guidelines (Richards et al. 2015 PMID: 25741868, with internal and published modifications).

NM_003749.3(IRS2):c.2334C>T (p.Gly778=)

Gene: IRS2 (insulin receptor substrate 2; minus strand). Cytogenetic location: 13q34.
Variant type: single nucleotide variant.
Coding change: c.2334C>T on transcript NM_003749.3 (MANE Select); coding-DNA position 2334, C replaced by T.
Protein change: p.Gly778=; no amino-acid change (glycine 778 retained).
Molecular consequence: synonymous variant.
Genome position (GRCh38, 1-based): chr13:109,783,720, G>A on the plus strand (C>T on the coding strand, the complement: IRS2 is on the minus strand). VCF-style: chr13-109783720-G-A. GRCh37 (hg19) VCF-style: chr13-110436067-G-A.
Identifiers: ClinVar variation 3052255 (VCV003052255.2), dbSNP rs140229481, ClinGen allele CA7046379.